The following is an entry in ClinVar:

NM_001143998.2(SEC14L1):c.174C>G (p.Arg58=)

Gene: SEC14L1 (SEC14 like lipid binding 1; plus strand). Cytogenetic location: 17q25.2.
Variant type: single nucleotide variant.
Coding change: c.174C>G on transcript NM_001143998.2 (MANE Select); coding-DNA position 174, C replaced by G.
Protein change: p.Arg58=; no amino-acid change (arginine 58 retained).
Molecular consequence: synonymous variant.
Genome position (GRCh38, 1-based): chr17:77,190,913, C>G. VCF-style: chr17-77190913-C-G. GRCh37 (hg19) VCF-style: chr17-75186995-C-G.
Other names: c.174C>G, p.Arg58= (NM_001039573.3, NM_001143999.2, NM_001204408.2 and 2 more transcripts); c.72C>G, p.Arg24= (NM_001144001.2).
Identifiers: ClinVar variation 730749 (VCV000730749.27), dbSNP rs144815495, ClinGen allele CA8792213.

ClinVar aggregate classification (germline): Likely benign. Review status: criteria provided, multiple submitters, no conflicts (2 of 4 stars). 2 submissions from 2 submitters: Likely benign (2). Last evaluated 2023-01-01.

Allele frequency attached by ClinVar (database versions not stated): 1000 Genomes Project 30x 0.00094; 1000 Genomes Project 0.00100; ExAC 0.00143; gnomAD exomes 0.00158 and 0.00263; gnomAD 0.00176 and 0.00187; TOPMed 0.00192; ESP Exome Variant Server 0.00238.
gnomAD v4.1: 4,111 of 1,614,222 alleles (0.25%); highest among the groups gnomAD compares: Non-Finnish European, 0.32%; 12 homozygotes.

Submissions (2):

CeGaT Center for Human Genetics Tuebingen
Classification: Likely benign. Last evaluated: 2023-01-01. Review status: criteria provided, single submitter. Criteria: CeGaT Center For Human Genetics Tuebingen Variant Classification Criteria Version 2. Collection method: clinical testing. Allele origin: germline. Affected: yes. Observed: 1 variant allele.
Comment: SEC14L1: BP4

Labcorp Genetics (formerly Invitae), Labcorp
Classification: Likely benign. Last evaluated: 2018-05-23. Review status: criteria provided, single submitter. Criteria: Invitae Variant Classification Sherloc (09022015). Collection method: clinical testing. Allele origin: germline.